The following is an entry in ClinVar:

ClinVar aggregate classification (germline): Likely pathogenic. Review status: reviewed by expert panel (3 of 4 stars). 8 submissions from 7 submitters: Likely pathogenic (1). 7 of the submissions do not count toward it. Last evaluated 2024-09-17.

Conditions:
RASopathy. Also called: Noonan spectrum disorder; rasopathies. Identifiers: Orphanet 536391, MedGen C5555857, MONDO:0021060.
Costello syndrome (CSTLO). Also called: HRAS-Related Costello Syndrome; FACIOCUTANEOSKELETAL SYNDROME; FCS SYNDROME. Identifiers: Orphanet 3071, MedGen C0587248, MONDO:0009026, OMIM 218040.
Non-small cell lung carcinoma (NSCLC). Also called: Non-small cell lung cancer. Identifiers: MedGen C0007131, MeSH D002289, MONDO:0005233, HP:0030358. Disease mechanism: Other.

Submissions (8):

ClinGen RASopathy Variant Curation Expert Panel
Classification: Likely pathogenic for RASopathy. Last evaluated: 2024-09-17. Review status: reviewed by expert panel. Criteria: ClinGen RASopathy ACMG Specifications HRAS V2.1.0. Collection method: curation. Allele origin: germline. Inheritance: Autosomal dominant inheritance.
Comment: The c.175G>A variant in the HRAS gene is a missense variant predicted to cause substitution of alanine by threonine at amino acid 59 (p.Ala59Thr). This variant was absent from gnomAD v4.1.0 (PM2_Supporting). The computational predictor REVEL gives a score of 0.755 supporting deleterious impact to HRAS function (PP3). This variant resides within a region (amino acids 57 – 64), of HRAS that is defined as a critical functional domain by the ClinGen RASopathy VCEP (PM1). The c.175G>A (p.Ala59Thr) variant has been identified in at least 3 independent occurrences in patients with a RASopathy (PS4_Moderate; GeneDx, Partners Laboratory for Molecular Medicine, Invitae internal data, ClinVar SCV000198374.4, SCV000950586.1). Moreover, this variant has been reported to segregate with clinical features of a RASopathy in at least 3 family members (PP1; Partners Laboratory for Molecular Medicine internal data, ClinVar SCV000198374.4). In summary, this variant meets criteria to be classified as likely pathogenic for autosomal dominant RASopathies based on the ACMG/AMP criteria applied, as specified by the ClinGen RASopathy Variant Curation Expert Panel: PS4_Moderate, PM1, PM2_Supporting, PP1, PP3 (Specification Version 2.1, 09/17/2024)

Department of Human Genetics, Hannover Medical School
Classification: Pathogenic for RASopathy. Last evaluated: 2026-10-29. Review status: criteria provided, single submitter. Criteria: ACMG Guidelines, 2015. Collection method: clinical testing. Allele origin: germline. Inheritance: Autosomal dominant inheritance. Affected: yes. Not counted in ClinVar's aggregate classification.
Comment: ACMG/ClinGen HRAS VCEP: PS3_Supporting, PS4_Supporting, PM1, PM2_Supporting, PM5, PP1_Moderate, PP3 (PMID: 41074678, 8430333, 35202574, 37194190, internal data)

Variantyx, Inc.
Classification: Likely pathogenic for Costello syndrome. Last evaluated: 2025-12-18. Review status: criteria provided, single submitter. Criteria: Variantyx Assertion Criteria 2022. Collection method: clinical testing. Allele origin: germline. Inheritance: Autosomal dominant inheritance. Affected: yes. Not counted in ClinVar's aggregate classification.
Comment: This is a nonsynonymous variant in the HRAS gene (OMIM: 190020). Pathogenic variants in this gene have been associated with autosomal dominant Costello syndrome. This variant has been reported in at least one affected individual (PMID: 41074678) (PS4) and it has been observed to segregate with disease in at least 4 individuals from one family (PMID: 41074678) (PP1). The alteration lies within a known hotspot for pathogenic variants or a well-established critical functional domain of the HRAS protein (PMID: 12213964,3043178,12732140) (PM1). Multiple computational algorithms predict a deleterious effect for this variant (REVEL score: 0.755) (PP3). This variant is absent from control populations (PM2). Based on the evidence, this variant is classified as likely pathogenic for autosomal dominant Costello syndrome.

Women's Health and Genetics/Laboratory Corporation of America, LabCorp
Classification: Likely pathogenic for Costello syndrome. Last evaluated: 2025-09-09. Review status: criteria provided, single submitter. Criteria: LabCorp Variant Classification Summary - May 2015. Collection method: clinical testing. Allele origin: germline. Not counted in ClinVar's aggregate classification.
Comment: Variant summary: HRAS c.175G>A (p.Ala59Thr) results in a non-conservative amino acid change in the encoded protein sequence. Algorithms developed to predict the effect of missense changes on protein structure and function all suggest that this variant is likely to be disruptive. The variant was absent in 251214 control chromosomes (gnomAD). The available data on variant occurrences in the general population are insufficient to allow any conclusion about variant significance. To our knowledge, no occurrence of c.175G>A in individuals affected with HRAS-related conditions have been reported in the literature, although internal RASopathy cases were reported by a ClinGen expert panel (ClinVar). A different variant affecting the same codon has been determined to be pathogenic by our lab (c.176C>G, p.Ala59Gly), supporting the critical relevance of codon 59 to HRAS protein function. At least one publication reports experimental evidence evaluating an impact on protein function in cultured cells, finding that the variant elevated GTP nucleotide exchange rate (Lacal_1986). The following publication has been ascertained in the context of this evaluation (PMID: 3540608). ClinVar contains an entry for this variant (Variation ID: 40435). Based on the evidence outlined above, the variant was classified as likely pathogenic.

Labcorp Genetics (formerly Invitae), Labcorp
Classification: Uncertain significance for Costello syndrome. Last evaluated: 2018-10-18. Review status: criteria provided, single submitter. Criteria: Invitae Variant Classification Sherloc (09022015). Collection method: clinical testing. Allele origin: germline. Not counted in ClinVar's aggregate classification.
Comment: This sequence change replaces alanine with threonine at codon 59 of the HRAS protein (p.Ala59Thr). The alanine residue is highly conserved and there is a small physicochemical difference between alanine and threonine. This variant is not present in population databases (ExAC no frequency). In summary, the available evidence is currently insufficient to determine the role of this variant in disease. Therefore, it has been classified as a Variant of Uncertain Significance. Experimental studies have shown that this missense change results in elevated GTP nucleotide exchange rate in cultured cells (PMID: 3540608, 3004741). This variant has not been reported in the literature in individuals with HRAS-related disease. ClinVar contains an entry for this variant (Variation ID: 40435).

Laboratory for Molecular Medicine, Mass General Brigham Personalized Medicine
Classification: Likely pathogenic for Non-small cell lung carcinoma. Last evaluated: 2017-12-07. Review status: criteria provided, single submitter. Criteria: LMM Criteria. Collection method: clinical testing. Allele origin: germline. Observed: 3 variant alleles. Not counted in ClinVar's aggregate classification.
Comment: This variant has been reported in the literature as a variant occurring in retro viral ras oncogenes, and has been demonstrated to have transforming activity in some in vitro studies (Barbacid 1987, Tsuchida 1982, Dhar 1982, Lacai 1986). Ala 59 is also highly conserved among distantly related species.

Laboratory for Molecular Medicine, Mass General Brigham Personalized Medicine
Classification: Likely pathogenic for Costello syndrome. Last evaluated: 2017-12-07. Review status: criteria provided, single submitter. Criteria: LMM Criteria. Collection method: clinical testing. Allele origin: germline. Observed: 3 variant alleles. Not counted in ClinVar's aggregate classification.
Comment: The p.Ala59Thr variant in HRAS has been identified by our laboratory in three af fected relatives with clinical features of a RASopathy disorder. It was absent f rom large population studies. The p.Ala59Thr variant is known to occur in retrov iral ras oncogenes and has been demonstrated to have transforming activity in mu ltiple in vitro studies (Dhar 1982, Tsuchida 1982, Lacal 1986, Barbacid 1987). C omputational prediction tools and conservation analysis support that the variant may impact the protein. However, these in vitro assays and computational analys es may not accurately represent biological function. In addition, our laboratory has identified a different variant associated with RASopathies at the same posi tion (p.Ala59Leu), which suggests that changes to this position are not tolerate d. In summary, although additional studies are required to fully establish its c linical significance, the p.Ala59Thr variant is likely pathogenic. ACMG/AMP Crit eria applied: PM2, PP2, PP3, PS3_Supporting, PS4_Supporting.

Knight Diagnostic Laboratories, Oregon Health and Sciences University
Classification: Likely pathogenic for Costello syndrome. Last evaluated: 2016-11-23. Review status: criteria provided, single submitter. Criteria: ACMG Guidelines, 2015. Collection method: clinical testing. Allele origin: germline. Observed: 1 variant allele. Not counted in ClinVar's aggregate classification.

Literature cited by the submitters: PubMed 29493581 (cited by ClinGen RASopathy Variant Curation Expert Panel); PubMed 41074678 (cited by Variantyx, Inc.); PubMed 12213964 (cited by Variantyx, Inc.); PubMed 3043178 (cited by Variantyx, Inc.); PubMed 12732140 (cited by Variantyx, Inc.); PubMed 3540608 (cited by Labcorp Genetics (formerly Invitae), Labcorp); PubMed 3004741 (cited by Labcorp Genetics (formerly Invitae), Labcorp and Laboratory for Molecular Medicine, Mass General Brigham Personalized Medicine); PubMed 6288698 (cited by Laboratory for Molecular Medicine, Mass General Brigham Personalized Medicine); PubMed 6287572 (cited by Laboratory for Molecular Medicine, Mass General Brigham Personalized Medicine); PubMed 3304147 (cited by Laboratory for Molecular Medicine, Mass General Brigham Personalized Medicine); PubMed 10716188 (cited by Laboratory for Molecular Medicine, Mass General Brigham Personalized Medicine); PubMed 2674130 (cited by Laboratory for Molecular Medicine, Mass General Brigham Personalized Medicine); PubMed 6287573 (cited by Laboratory for Molecular Medicine, Mass General Brigham Personalized Medicine); PubMed 21779495 (cited by Laboratory for Molecular Medicine, Mass General Brigham Personalized Medicine); PubMed 3283542 (cited by Laboratory for Molecular Medicine, Mass General Brigham Personalized Medicine).

NM_005343.4(HRAS):c.175G>A (p.Ala59Thr)

Genes: HRAS (HRas proto-oncogene, GTPase; minus strand), LRRC56 (leucine rich repeat containing 56; plus strand). Cytogenetic location: 11p15.5.
Variant type: single nucleotide variant.
Coding change: c.175G>A on transcript NM_005343.4 (MANE Select); coding-DNA position 175, G replaced by A.
Protein change: p.Ala59Thr; replaces alanine 59 with threonine.
Molecular consequence: missense variant. On other transcripts: 5 prime UTR variant (1).
Genome position (GRCh38, 1-based): chr11:533,881, C>T on the plus strand (G>A on the coding strand, the complement: HRAS is on the minus strand). VCF-style: chr11-533881-C-T. GRCh37 (hg19) VCF-style: chr11-533881-C-T.
Other names: NM_005343.3(HRAS):c.175G>A; p.Ala59Thr; c.175G>A, p.Ala59Thr (NM_001130442.3, NM_176795.5); c.-145G>A (NM_001318054.2); short protein forms A59T.
Identifiers: ClinVar variation 40435 (VCV000040435.18), dbSNP rs727503093, ClinGen allele CA176353.